The following is an entry in ClinVar:

ClinVar aggregate classification (germline): Uncertain significance (1 of 4 stars; one submission).

Conditions:
Cardiovascular phenotype. Identifiers: MedGen CN230736.

Allele frequency attached by ClinVar (database versions not stated): gnomAD exomes below 0.00001.
gnomAD v4.1: 1 of 1,601,964 alleles (0.000062%); highest among the groups gnomAD compares: South Asian, 0.0011%; no homozygotes.

Submission:

Ambry Genetics
Classification: Uncertain significance for Cardiovascular phenotype. Last evaluated: 2023-12-16. Review status: criteria provided, single submitter. Criteria: Ambry Variant Classification Scheme 2023. Collection method: clinical testing. Allele origin: germline.
Comment: The p.T1791A variant (also known as c.5371A>G), located in coding exon 22 of the AKAP9 gene, results from an A to G substitution at nucleotide position 5371. The threonine at codon 1791 is replaced by alanine, an amino acid with similar properties. This amino acid position is conserved. In addition, this alteration is predicted to be tolerated by in silico analysis. Since supporting evidence is limited at this time, the clinical significance of this alteration remains unclear.

NM_005751.5(AKAP9):c.5371A>G (p.Thr1791Ala)

Gene: AKAP9 (A-kinase anchoring protein 9; plus strand). Cytogenetic location: 7q21.2.
Variant type: single nucleotide variant.
Coding change: c.5371A>G on transcript NM_005751.5 (MANE Select); coding-DNA position 5371, A replaced by G.
Protein change: p.Thr1791Ala; replaces threonine 1791 with alanine.
Molecular consequence: missense variant.
Genome position (GRCh38, 1-based): chr7:92,052,728, A>G. VCF-style: chr7-92052728-A-G. GRCh37 (hg19) VCF-style: chr7-91682042-A-G.
Other names: c.5371A>G, p.Thr1791Ala (NM_147185.3); short protein forms T1791A.
Identifiers: ClinVar variation 3225067 (VCV003225067.1), dbSNP rs2535164762, ClinGen allele CA368130920.